The following is an entry in ClinVar:

NM_016284.5(CNOT1):c.6047_6050del (p.Leu2016fs)

Gene: CNOT1 (CCR4-NOT transcription complex subunit 1; minus strand). Cytogenetic location: 16q21.
Variant type: Deletion.
Coding change: c.6047_6050del on transcript NM_016284.5 (MANE Select); coding-DNA positions 6047 to 6050, 4 bases deleted (TTAC; older notation c.6047_6050delTTAC).
Protein change: p.Leu2016fs; shifts the reading frame from leucine 2016.
Molecular consequence: frameshift variant. On other transcripts: non-coding transcript variant (1).
Genome position (GRCh38, 1-based): chr16:58,532,241-58,532,244, GTAA deleted on the plus strand (TTAC on the coding strand, the reverse complement: CNOT1 is on the minus strand); deleting any 4 consecutive bases within chr16:58,532,241-58,532,246 gives the same sequence; the c. name uses the placement nearest the transcript's 3' end. VCF-style (leftmost placement, unchanged base first): chr16-58532240-TGTAA-T. GRCh37 (hg19) VCF-style: chr16-58566144-TGTAA-T.
Other names: c.6032_6035del, p.Leu2011fs (NM_001265612.2); c.6032_6035delTTAC (NM_001265612.1); short protein forms L2011fs, L2016fs.
Identifiers: ClinVar variation 1195433 (VCV001195433.4), dbSNP rs2151904583, ClinGen allele CA2499223628.

ClinVar aggregate classification (germline): Likely pathogenic (1 of 4 stars; one submission).

Submission:

GeneDx
Classification: Likely pathogenic. Last evaluated: 2021-12-01. Review status: criteria provided, single submitter. Criteria: GeneDx Variant Classification Process June 2021. Collection method: clinical testing. Allele origin: germline. Affected: yes.
Comment: Frameshift variant predicted to result in protein truncation or nonsense mediated decay in a gene for which loss-of-function is a known mechanism of disease; Not observed at significant frequency in large population cohorts (Lek et al., 2016); Has not been previously published as pathogenic or benign to our knowledge